The following is an entry in ClinVar:

ClinVar aggregate classification (germline): Uncertain significance (1 of 4 stars; one submission).

Conditions:
Hereditary cancer-predisposing syndrome. Also called: Tumor predisposition; Hereditary Cancer Syndrome; Hereditary neoplastic syndrome; Neoplastic Syndromes, Hereditary. Identifiers: Orphanet 140162, MedGen C0027672, MeSH D009386, MONDO:0015356.

Submission:

Ambry Genetics
Classification: Uncertain significance for Hereditary cancer-predisposing syndrome. Last evaluated: 2024-01-11. Review status: criteria provided, single submitter. Criteria: Ambry Variant Classification Scheme 2023. Collection method: clinical testing. Allele origin: germline.
Comment: The p.G2917R variant (also known as c.8749G>C), located in coding exon 59 of the ATM gene, results from a G to C substitution at nucleotide position 8749. The glycine at codon 2917 is replaced by arginine, an amino acid with dissimilar properties. This amino acid position is conserved. In addition, this alteration is predicted to be deleterious by in silico analysis. Since supporting evidence is limited at this time, the clinical significance of this alteration remains unclear.

NM_000051.4(ATM):c.8749G>C (p.Gly2917Arg)

Genes: ATM (ATM serine/threonine kinase; plus strand), C11orf65 (chromosome 11 open reading frame 65; minus strand). Cytogenetic location: 11q22.3.
Variant type: single nucleotide variant.
Coding change: c.8749G>C on transcript NM_000051.4 (MANE Select); coding-DNA position 8749, G replaced by C.
Protein change: p.Gly2917Arg; replaces glycine 2917 with arginine.
Molecular consequence: missense variant. On other transcripts: intron variant (2).
Genome position (GRCh38, 1-based): chr11:108,353,843, G>C. VCF-style: chr11-108353843-G-C. GRCh37 (hg19) VCF-style: chr11-108224570-G-C.
Other names: c.8749G>C, p.Gly2917Arg (NM_001351834.2); c.640+32077C>G (NM_001330368.2); c.695-18551C>G (NM_001351110.2); short protein forms G2917R.
Identifiers: ClinVar variation 3223370 (VCV003223370.1), dbSNP rs2137293373, ClinGen allele CA382524046.